The following is an entry in ClinVar:

NM_001457.4(FLNB):c.3707C>A (p.Pro1236Gln)

Gene: FLNB (filamin B; plus strand). Cytogenetic location: 3p14.3.
Variant type: single nucleotide variant.
Coding change: c.3707C>A on transcript NM_001457.4 (MANE Select); coding-DNA position 3707, C replaced by A.
Protein change: p.Pro1236Gln; replaces proline 1236 with glutamine.
Molecular consequence: missense variant.
Genome position (GRCh38, 1-based): chr3:58,123,673, C>A. VCF-style: chr3-58123673-C-A. GRCh37 (hg19) VCF-style: chr3-58109400-C-A.
Other names: c.3707C>A (NM_001457.3); c.3707C>A, p.Pro1236Gln (NM_001164317.2, NM_001164318.2, NM_001164319.2); short protein forms P1236Q.
Identifiers: ClinVar variation 1951545 (VCV001951545.6), dbSNP rs1218001926, ClinGen allele CA353349356.
Genomic context (GRCh38, chr3:58,123,673, plus strand): 5'-TCCCCGCCCGGGTCAAGGTGGAGCCCGCCGTGGACACCAGCAGGATCAAAGTCTTTGGAC[C>A]AGGAATAGAAGGGAAAGGTGGGTTTCATTTAAAAAAAAAAAAAAAAAAAAAAAGACAAGC-3'
Protein context (NP_001448.2, residues 1226-1246): VDTSRIKVFG[Pro1236Gln]GIEGKDVFRE

ClinVar aggregate classification (germline): Uncertain significance. Review status: criteria provided, multiple submitters, no conflicts (2 of 4 stars). 2 submissions from 2 submitters: Uncertain significance (2). Last evaluated 2026-01-14.

Conditions:
Inborn genetic diseases. Identifiers: MedGen C0950123, MeSH D030342.

Allele frequency attached by ClinVar (database versions not stated): gnomAD 0.00001.
gnomAD v4.1: 28 of 1,569,878 alleles (0.0018%); highest among the groups gnomAD compares: Admixed American, 0.0035%; no homozygotes.

Submissions (2):

Ambry Genetics
Classification: Uncertain significance for Inborn genetic diseases. Last evaluated: 2026-01-14. Review status: criteria provided, single submitter. Criteria: Ambry Variant Classification Scheme 2023. Collection method: clinical testing. Allele origin: germline.
Comment: The c.3707C>A (p.P1236Q) alteration is located in exon 21 (coding exon 21) of the FLNB gene. This alteration results from a C to A substitution at nucleotide position 3707, causing the proline (P) at amino acid position 1236 to be replaced by a glutamine (Q). Based on data from gnomAD, the A allele has an overall frequency of <0.001% (1/236992) total alleles studied. The highest observed frequency was 0.001% (1/105098) of European (non-Finnish) alleles. Based on insufficient or conflicting evidence, the clinical significance of this alteration remains unclear.

Labcorp Genetics (formerly Invitae), Labcorp
Classification: Uncertain significance. Last evaluated: 2025-06-12. Review status: criteria provided, single submitter. Criteria: Invitae Variant Classification Sherloc (09022015). Collection method: clinical testing. Allele origin: germline.
Comment: This sequence change replaces proline, which is neutral and non-polar, with glutamine, which is neutral and polar, at codon 1236 of the FLNB protein (p.Pro1236Gln). The frequency data for this variant in the population databases is considered unreliable, as metrics indicate poor data quality at this position in the gnomAD database. This variant has not been reported in the literature in individuals affected with FLNB-related conditions. ClinVar contains an entry for this variant (Variation ID: 1951545). Invitae Evidence Modeling of protein sequence and biophysical properties (such as structural, functional, and spatial information, amino acid conservation, physicochemical variation, residue mobility, and thermodynamic stability) indicates that this missense variant is not expected to disrupt FLNB protein function with a negative predictive value of 95%. In summary, the available evidence is currently insufficient to determine the role of this variant in disease. Therefore, it has been classified as a Variant of Uncertain Significance.